The following is an entry in ClinVar:

NM_007294.4(BRCA1):c.184C>T (p.Pro62Ser)

Gene: BRCA1 (BRCA1 DNA repair associated; minus strand). Cytogenetic location: 17q21.31.
Variant type: single nucleotide variant.
Coding change: c.184C>T on transcript NM_007294.4 (MANE Select); coding-DNA position 184, C replaced by T.
Protein change: p.Pro62Ser; replaces proline 62 with serine.
Molecular consequence: missense variant. On other transcripts: non-coding transcript variant (1).
Genome position (GRCh38, 1-based): chr17:43,106,484, G>A on the plus strand (C>T on the coding strand, the complement: BRCA1 is on the minus strand). VCF-style: chr17-43106484-G-A. GRCh37 (hg19) VCF-style: chr17-41258501-G-A.
Other names: c.184C>T, p.Pro62Ser (NM_001408397.1, NM_001408398.1, NM_001408399.1 and 168 more transcripts); c.43C>T, p.Pro15Ser (NM_001408410.1, NM_001408452.1, NM_001408453.1 and 99 more transcripts); c.-5C>T (NM_001408478.1, NM_001408479.1, NM_001408480.1 and 58 more transcripts); short protein forms P15S, P62S.
Identifiers: ClinVar variation 868256 (VCV000868256.4), dbSNP rs2054779515, ClinGen allele CA10601794.

ClinVar aggregate classification (germline): Uncertain significance (1 of 4 stars; one submission).

Conditions:
Hereditary cancer-predisposing syndrome. Also called: Neoplastic Syndromes, Hereditary; Tumor predisposition; Hereditary Cancer Syndrome; Hereditary neoplastic syndrome. Identifiers: Orphanet 140162, MedGen C0027672, MeSH D009386, MONDO:0015356.

Submissions (2):

Ambry Genetics
Classification: Uncertain significance for Hereditary cancer-predisposing syndrome. Last evaluated: 2024-12-04. Review status: criteria provided, single submitter. Criteria: Ambry Variant Classification Scheme 2023. Collection method: clinical testing. Allele origin: germline.
Comment: The p.P62S variant (also known as c.184C>T), located in coding exon 3 of the BRCA1 gene, results from a C to T substitution at nucleotide position 184. The proline at codon 62 is replaced by serine, an amino acid with similar properties. One functional study found that this nucleotide substitution is functional in a high throughput genome editing haploid cell survival assay (Findlay GM et al. Nature, 2018 Oct;562:217-222). This amino acid position is highly conserved in available vertebrate species. In addition, this alteration is predicted to be deleterious by in silico analysis. Based on the available evidence, the clinical significance of this variant remains unclear.

Brotman Baty Institute, University of Washington
No classification provided (evidence only). Condition: Breast-ovarian cancer, familial 1. Review status: no classification provided. Collection method: in vitro. Allele origin: not applicable. Functional consequence: functionally_normal. Not counted in ClinVar's aggregate classification.
ClinVar note: "not provided" was previously submitted as the classification for the variant. However, the classification appeared to be based only on an observation of functional data so it was converted to no classification on 2025-07-30.

Literature cited by the submitters: PubMed 30209399 (cited by Ambry Genetics).